The following is an entry in ClinVar:

NM_000350.3(ABCA4):c.6684_6699del (p.Leu2229fs)

Gene: ABCA4 (ATP binding cassette subfamily A member 4; minus strand). Cytogenetic location: 1p22.1.
Variant type: Deletion.
Coding change: c.6684_6699del on transcript NM_000350.3 (MANE Select); coding-DNA positions 6684 to 6699, 16 bases deleted (CCTGCTCATCGAGGAG).
Protein change: p.Leu2229fs; shifts the reading frame from leucine 2229.
Molecular consequence: frameshift variant.
Genome position (GRCh38, 1-based): chr1:93,997,891-93,997,906, CTCCTCGATGAGCAGG deleted on the plus strand (CCTGCTCATCGAGGAG on the coding strand, the reverse complement: ABCA4 is on the minus strand); deleting any 16 consecutive bases within chr1:93,997,891-93,997,908 gives the same sequence; the c. name uses the placement nearest the transcript's 3' end. VCF-style (leftmost placement, unchanged base first): chr1-93997890-ACTCCTCGATGAGCAGG-A. GRCh37 (hg19) VCF-style: chr1-94463446-ACTCCTCGATGAGCAGG-A.
Other names: c.6460_6475del16, p.Leu2155Thrfs (NM_001425324.1); short protein forms L2229fs.
Identifiers: ClinVar variation 2837166 (VCV002837166.3), dbSNP rs2523614510, ClinGen allele CA2739272658.

ClinVar aggregate classification (germline): Pathogenic (1 of 4 stars; one submission).

Submission:

Labcorp Genetics (formerly Invitae), Labcorp
Classification: Pathogenic. Last evaluated: 2023-02-14. Review status: criteria provided, single submitter. Criteria: Invitae Variant Classification Sherloc (09022015). Collection method: clinical testing. Allele origin: germline.
Comment: For these reasons, this variant has been classified as Pathogenic. This variant has not been reported in the literature in individuals affected with ABCA4-related conditions. This variant is not present in population databases (gnomAD no frequency). This sequence change creates a premature translational stop signal (p.Leu2229Thrfs*13) in the ABCA4 gene. It is expected to result in an absent or disrupted protein product. Loss-of-function variants in ABCA4 are known to be pathogenic (PMID: 10958761, 24938718, 25312043, 26780318).

Literature cited by the submitters: PubMed 10958761; PubMed 24938718; PubMed 25312043; PubMed 26780318.